The following is an entry in ClinVar:

NM_000245.4(MET):c.1627G>C (p.Asp543His)

Gene: MET (MET proto-oncogene, receptor tyrosine kinase; plus strand). Cytogenetic location: 7q31.2.
Variant type: single nucleotide variant.
Coding change: c.1627G>C on transcript NM_000245.4 (MANE Select); coding-DNA position 1627, G replaced by C.
Protein change: p.Asp543His; replaces aspartic acid 543 with histidine.
Molecular consequence: missense variant.
Genome position (GRCh38, 1-based): chr7:116,740,951, G>C. VCF-style: chr7-116740951-G-C. GRCh37 (hg19) VCF-style: chr7-116381005-G-C.
Other names: c.1627G>C, p.Asp543His (NM_001127500.3, NM_001324401.3); c.337G>C, p.Asp113His (NM_001324402.2); short protein forms D113H, D543H.
Identifiers: ClinVar variation 1943568 (VCV001943568.5), dbSNP rs763991073, ClinGen allele CA368975549.

ClinVar aggregate classification (germline): Uncertain significance. Review status: criteria provided, multiple submitters, no conflicts (2 of 4 stars). 2 submissions from 2 submitters: Uncertain significance (2). Last evaluated 2025-04-01.

Conditions:
Renal cell carcinoma. Identifiers: Orphanet 217071, MedGen C0007134, MeSH D002292, MONDO:0005086, HP:0005584.
Hereditary cancer-predisposing syndrome. Also called: Tumor predisposition; Hereditary neoplastic syndrome; Neoplastic Syndromes, Hereditary; Hereditary Cancer Syndrome. Identifiers: Orphanet 140162, MedGen C0027672, MeSH D009386, MONDO:0015356.

gnomAD v4.1: 1 of 1,613,992 alleles (0.000062%); highest among the groups gnomAD compares: Non-Finnish European, 0.000085%; no homozygotes.

Submissions (2):

Ambry Genetics
Classification: Uncertain significance for Hereditary cancer-predisposing syndrome. Last evaluated: 2025-04-01. Review status: criteria provided, single submitter. Criteria: Ambry Variant Classification Scheme 2023. Collection method: clinical testing. Allele origin: germline.
Comment: The p.D543H variant (also known as c.1627G>C), located in coding exon 4 of the MET gene, results from a G to C substitution at nucleotide position 1627. The aspartic acid at codon 543 is replaced by histidine, an amino acid with similar properties. This amino acid position is conserved. In addition, this alteration is predicted to be tolerated by in silico analysis. Based on the available evidence, the clinical significance of this variant remains unclear.

Labcorp Genetics (formerly Invitae), Labcorp
Classification: Uncertain significance for Renal cell carcinoma. Last evaluated: 2025-01-11. Review status: criteria provided, single submitter. Criteria: Invitae Variant Classification Sherloc (09022015). Collection method: clinical testing. Allele origin: germline.
Comment: This sequence change replaces aspartic acid, which is acidic and polar, with histidine, which is basic and polar, at codon 543 of the MET protein (p.Asp543His). This variant is not present in population databases (gnomAD no frequency). This variant has not been reported in the literature in individuals affected with MET-related conditions. ClinVar contains an entry for this variant (Variation ID: 1943568). Invitae Evidence Modeling of protein sequence and biophysical properties (such as structural, functional, and spatial information, amino acid conservation, physicochemical variation, residue mobility, and thermodynamic stability) indicates that this missense variant is not expected to disrupt MET protein function with a negative predictive value of 80%. In summary, the available evidence is currently insufficient to determine the role of this variant in disease. Therefore, it has been classified as a Variant of Uncertain Significance.